The following is an entry in ClinVar:

ClinVar aggregate classification (germline): Uncertain significance (1 of 4 stars; one submission).

Conditions:
Cardiovascular phenotype. Identifiers: MedGen CN230736.

gnomAD v4.1: 7 of 1,613,872 alleles (0.00043%); highest among the groups gnomAD compares: Non-Finnish European, 0.00059%; no homozygotes.

Submission:

Ambry Genetics
Classification: Uncertain significance for Cardiovascular phenotype. Last evaluated: 2025-02-09. Review status: criteria provided, single submitter. Criteria: Ambry Variant Classification Scheme 2023. Collection method: clinical testing. Allele origin: germline.
Comment: The p.K129R variant (also known as c.386A>G), located in coding exon 3 of the LCAT gene, results from an A to G substitution at nucleotide position 386. The lysine at codon 129 is replaced by arginine, an amino acid with highly similar properties. This amino acid position is conserved. In addition, the in silico prediction for this alteration is inconclusive. Based on the available evidence, the clinical significance of this variant remains unclear.

NM_000229.2(LCAT):c.386A>G (p.Lys129Arg)

Gene: LCAT (lecithin-cholesterol acyltransferase; minus strand). Cytogenetic location: 16q22.1.
Variant type: single nucleotide variant.
Coding change: c.386A>G on transcript NM_000229.2 (MANE Select); coding-DNA position 386, A replaced by G.
Protein change: p.Lys129Arg; replaces lysine 129 with arginine.
Molecular consequence: missense variant.
Genome position (GRCh38, 1-based): chr16:67,942,902, T>C on the plus strand (A>G on the coding strand, the complement: LCAT is on the minus strand). VCF-style: chr16-67942902-T-C. GRCh37 (hg19) VCF-style: chr16-67976805-T-C.
Other names: short protein forms K129R.
Identifiers: ClinVar variation 3866616 (VCV003866616.1).
Genomic context (GRCh38, chr16:67,942,902, plus strand): 5'-CCTGCCCTCTGACACAAACCTGCCAGCTTGCTGCTGTCCAGGTACTCCACAGAGTAGGTC[T>C]TGCCAAAGCCAGGGACGCGGATCTGGACACCAGGGGCGTTGGACACGAGCCCAGAGCTCC-3'
Protein context (NP_000220.1, residues 119-139): GVQIRVPGFG[Lys129Arg]TYSVEYLDSS